The following is an entry in ClinVar:

NM_022455.5(NSD1):c.3114G>T (p.Met1038Ile)

Gene: NSD1 (nuclear receptor binding SET domain protein 1; plus strand). Cytogenetic location: 5q35.3.
Variant type: single nucleotide variant.
Coding change: c.3114G>T on transcript NM_022455.5 (MANE Select); coding-DNA position 3114, G replaced by T.
Protein change: p.Met1038Ile; replaces methionine 1038 with isoleucine.
Molecular consequence: missense variant.
Genome position (GRCh38, 1-based): chr5:177,211,513, G>T. VCF-style: chr5-177211513-G-T. GRCh37 (hg19) VCF-style: chr5-176638514-G-T.
Other names: c.2241G>T, p.Met747Ile (NM_001365684.2, NM_001409306.1, NM_001409307.1 and 3 more transcripts); c.3114G>T, p.Met1038Ile (NM_001409301.1, NM_001409302.1, NM_001409303.1); c.2694G>T, p.Met898Ile (NM_001409304.1); c.2361G>T, p.Met787Ile (NM_001409305.1); short protein forms M1038I, M769I, M787I, M747I, M898I.
Identifiers: ClinVar variation 644373 (VCV000644373.9), dbSNP rs1581324163, ClinGen allele CA362322094.

ClinVar aggregate classification (germline): Uncertain significance (1 of 4 stars; one submission).

Submission:

Labcorp Genetics (formerly Invitae), Labcorp
Classification: Uncertain significance. Last evaluated: 2018-08-20. Review status: criteria provided, single submitter. Criteria: Invitae Variant Classification Sherloc (09022015). Collection method: clinical testing. Allele origin: germline.
Comment: This variant has not been reported in the literature in individuals with NSD1-related disease. In summary, the available evidence is currently insufficient to determine the role of this variant in disease. Therefore, it has been classified as a Variant of Uncertain Significance. Algorithms developed to predict the effect of missense changes on protein structure and function output the following: SIFT: "Tolerated"; PolyPhen-2: "Benign"; Align-GVGD: "Class C0". The isoleucine amino acid residue is found in multiple mammalian species, suggesting that this missense change does not adversely affect protein function. These predictions have not been confirmed by published functional studies and their clinical significance is uncertain. This variant is not present in population databases (ExAC no frequency). This sequence change replaces methionine with isoleucine at codon 1038 of the NSD1 protein (p.Met1038Ile). The methionine residue is weakly conserved and there is a small physicochemical difference between methionine and isoleucine.